The following is an entry in ClinVar:

ClinVar aggregate classification (germline): Uncertain significance (1 of 4 stars; one submission).

gnomAD v4.1: 14 of 1,613,678 alleles (0.00087%); highest among the groups gnomAD compares: South Asian, 0.0011%; no homozygotes.

Submission:

Labcorp Genetics (formerly Invitae), Labcorp
Classification: Uncertain significance. Last evaluated: 2022-03-26. Review status: criteria provided, single submitter. Criteria: Invitae Variant Classification Sherloc (09022015). Collection method: clinical testing. Allele origin: germline.
Comment: This sequence change replaces alanine, which is neutral and non-polar, with threonine, which is neutral and polar, at codon 610 of the TUBGCP4 protein (p.Ala610Thr). In summary, the available evidence is currently insufficient to determine the role of this variant in disease. Therefore, it has been classified as a Variant of Uncertain Significance. Algorithms developed to predict the effect of missense changes on protein structure and function (SIFT, PolyPhen-2, Align-GVGD) all suggest that this variant is likely to be tolerated. This variant has not been reported in the literature in individuals affected with TUBGCP4-related conditions. This variant is present in population databases (rs770105036, gnomAD 0.005%).

NM_014444.5(TUBGCP4):c.1825G>A (p.Ala609Thr)

Genes: TP53BP1 (tumor protein p53 binding protein 1; minus strand), TUBGCP4 (tubulin gamma complex component 4; plus strand). Cytogenetic location: 15q15.3.
Variant type: single nucleotide variant.
Coding change: c.1825G>A on transcript NM_014444.5 (MANE Select); coding-DNA position 1825, G replaced by A.
Protein change: p.Ala609Thr; replaces alanine 609 with threonine.
Molecular consequence: missense variant. On other transcripts: 3 prime UTR variant (5).
Genome position (GRCh38, 1-based): chr15:43,403,776, G>A. VCF-style: chr15-43403776-G-A. GRCh37 (hg19) VCF-style: chr15-43695974-G-A.
Other names: c.1828G>A, p.Ala610Thr (NM_001286414.3); c.*3607C>T (NM_001141979.3, NM_001141980.3, NM_001355001.2 and 2 more transcripts); short protein forms A609T, A610T.
Identifiers: ClinVar variation 1369895 (VCV001369895.8), dbSNP rs770105036, ClinGen allele CA7524206.